The following is an entry in ClinVar:

NM_004629.2(FANCG):c.862A>G (p.Arg288Gly)

Gene: FANCG (FA complementation group G; minus strand). Cytogenetic location: 9p13.3.
Variant type: single nucleotide variant.
Coding change: c.862A>G on transcript NM_004629.2 (MANE Select); coding-DNA position 862, A replaced by G.
Protein change: p.Arg288Gly; replaces arginine 288 with glycine.
Molecular consequence: missense variant.
Genome position (GRCh38, 1-based): chr9:35,076,786, T>C on the plus strand (A>G on the coding strand, the complement: FANCG is on the minus strand). VCF-style: chr9-35076786-T-C. GRCh37 (hg19) VCF-style: chr9-35076783-T-C.
Other names: short protein forms R288G.
Identifiers: ClinVar variation 4743818 (VCV004743818.2).

ClinVar aggregate classification (germline): Uncertain significance. Review status: criteria provided, multiple submitters, no conflicts (2 of 4 stars). 2 submissions from 2 submitters: Uncertain significance (2). Last evaluated 2026-06-01.

Conditions:
Fanconi anemia (FA). Also called: Fanconi's anemia. Identifiers: Orphanet 84, MedGen C0015625, MeSH D005199, MONDO:0019391.
Inborn genetic diseases. Identifiers: MedGen C0950123, MeSH D030342.

Submissions (2):

Ambry Genetics
Classification: Uncertain significance for Inborn genetic diseases. Last evaluated: 2026-06-01. Review status: criteria provided, single submitter. Criteria: Ambry Variant Classification Scheme 2023. Collection method: clinical testing. Allele origin: germline.
Comment: The p.R288G variant (also known as c.862A>G), located in coding exon 7 of the FANCG gene, results from an A to G substitution at nucleotide position 862. The arginine at codon 288 is replaced by glycine, an amino acid with dissimilar properties. This amino acid position is conserved. In addition, the in silico prediction for this alteration is inconclusive. Based on the available evidence, the clinical significance of this variant remains unclear.

Labcorp Genetics (formerly Invitae), Labcorp
Classification: Uncertain significance for Fanconi anemia. Last evaluated: 2025-12-15. Review status: criteria provided, single submitter. Criteria: Invitae Variant Classification Sherloc (09022015). Collection method: clinical testing. Allele origin: germline.
Comment: This sequence change replaces arginine, which is basic and polar, with glycine, which is neutral and non-polar, at codon 288 of the FANCG protein (p.Arg288Gly). This variant is not present in population databases (gnomAD no frequency). This variant has not been reported in the literature in individuals affected with FANCG-related conditions. Invitae Evidence Modeling of protein sequence and biophysical properties (such as structural, functional, and spatial information, amino acid conservation, physicochemical variation, residue mobility, and thermodynamic stability) indicates that this missense variant is expected to disrupt FANCG protein function with a positive predictive value of 80%. In summary, the available evidence is currently insufficient to determine the role of this variant in disease. Therefore, it has been classified as a Variant of Uncertain Significance.